The following is an entry in ClinVar:

ClinVar aggregate classification (germline): Uncertain significance (1 of 4 stars; one submission).

Conditions:
Immunodeficiency-centromeric instability-facial anomalies syndrome 2 (ICF2). Identifiers: Orphanet 2268, MedGen C3279748, MONDO:0013553, OMIM 614069.

Allele frequency attached by ClinVar (database versions not stated): gnomAD exomes below 0.00001; TOPMed below 0.00001.
gnomAD v4.1: 1 of 1,614,246 alleles (0.000062%); highest among the groups gnomAD compares: Non-Finnish European, 0.000085%; no homozygotes.

Submission:

Labcorp Genetics (formerly Invitae), Labcorp
Classification: Uncertain significance for Immunodeficiency-centromeric instability-facial anomalies syndrome 2. Last evaluated: 2024-10-25. Review status: criteria provided, single submitter. Criteria: Invitae Variant Classification Sherloc (09022015). Collection method: clinical testing. Allele origin: germline.
Comment: This sequence change replaces serine, which is neutral and polar, with asparagine, which is neutral and polar, at codon 249 of the ZBTB24 protein (p.Ser249Asn). This variant is not present in population databases (gnomAD no frequency). This variant has not been reported in the literature in individuals affected with ZBTB24-related conditions. ClinVar contains an entry for this variant (Variation ID: 946678). An algorithm developed to predict the effect of missense changes on protein structure and function outputs the following: PolyPhen-2: "Benign". The asparagine amino acid residue is found in multiple mammalian species, which suggests that this missense change does not adversely affect protein function. In summary, the available evidence is currently insufficient to determine the role of this variant in disease. Therefore, it has been classified as a Variant of Uncertain Significance.

NM_014797.3(ZBTB24):c.746G>A (p.Ser249Asn)

Gene: ZBTB24 (zinc finger and BTB domain containing 24; minus strand). Cytogenetic location: 6q21.
Variant type: single nucleotide variant.
Coding change: c.746G>A on transcript NM_014797.3 (MANE Select); coding-DNA position 746, G replaced by A.
Protein change: p.Ser249Asn; replaces serine 249 with asparagine.
Molecular consequence: missense variant.
Genome position (GRCh38, 1-based): chr6:109,481,281, C>T on the plus strand (G>A on the coding strand, the complement: ZBTB24 is on the minus strand). VCF-style: chr6-109481281-C-T. GRCh37 (hg19) VCF-style: chr6-109802484-C-T.
Other names: c.746G>A, p.Ser249Asn (NM_001164313.2); short protein forms S249N.
Identifiers: ClinVar variation 946678 (VCV000946678.7), dbSNP rs759148236, ClinGen allele CA145111031.